The following is an entry in ClinVar:

ClinVar aggregate classification (germline): Uncertain significance. Review status: criteria provided, multiple submitters, no conflicts (2 of 4 stars). 4 submissions from 4 submitters: Uncertain significance (4). Last evaluated 2025-04-11.

Conditions:
Familial adenomatous polyposis 1 (FAP1). Also called: POLYPOSIS, ADENOMATOUS INTESTINAL; FAMILIAL ADENOMATOUS POLYPOSIS 1, ATTENUATED. Identifiers: MedGen C2713442, MONDO:0021056, OMIM 175100. Disease mechanism: loss of function.
Classic or attenuated familial adenomatous polyposis. Identifiers: MedGen CN372698, MONDO:0021057.
Hereditary cancer-predisposing syndrome. Also called: Hereditary neoplastic syndrome; Neoplastic Syndromes, Hereditary; Tumor predisposition; Hereditary Cancer Syndrome. Identifiers: Orphanet 140162, MedGen C0027672, MeSH D009386, MONDO:0015356.

Allele frequency attached by ClinVar (database versions not stated): gnomAD 0.00001.
gnomAD v4.1: 1 of 1,613,702 alleles (0.000062%); highest among the groups gnomAD compares: African/African-American, 0.0013%; no homozygotes.

Submissions (4):

Ambry Genetics
Classification: Uncertain significance for Hereditary cancer-predisposing syndrome. Last evaluated: 2025-04-11. Review status: criteria provided, single submitter. Criteria: Ambry Variant Classification Scheme 2023. Collection method: clinical testing. Allele origin: germline.
Comment: The p.P1992A variant (also known as c.5974C>G), located in coding exon 15 of the APC gene, results from a C to G substitution at nucleotide position 5974. The proline at codon 1992 is replaced by alanine, an amino acid with highly similar properties. This amino acid position is not well conserved in available vertebrate species. In addition, in silico predictors for this gene do not accurately predict pathogenicity. Since supporting evidence is limited at this time, the clinical significance of this alteration remains unclear.

Labcorp Genetics (formerly Invitae), Labcorp
Classification: Uncertain significance for Familial adenomatous polyposis 1. Last evaluated: 2024-11-24. Review status: criteria provided, single submitter. Criteria: Invitae Variant Classification Sherloc (09022015). Collection method: clinical testing. Allele origin: germline.
Comment: This sequence change replaces proline, which is neutral and non-polar, with alanine, which is neutral and non-polar, at codon 1992 of the APC protein (p.Pro1992Ala). This variant is present in population databases (no rsID available, gnomAD 0.02%). This variant has not been reported in the literature in individuals affected with APC-related conditions. ClinVar contains an entry for this variant (Variation ID: 470027). Invitae Evidence Modeling of protein sequence and biophysical properties (such as structural, functional, and spatial information, amino acid conservation, physicochemical variation, residue mobility, and thermodynamic stability) indicates that this missense variant is not expected to disrupt APC protein function with a negative predictive value of 95%. In summary, the available evidence is currently insufficient to determine the role of this variant in disease. Therefore, it has been classified as a Variant of Uncertain Significance.

All of Us Research Program, National Institutes of Health
Classification: Uncertain significance for Classic or attenuated familial adenomatous polyposis. Last evaluated: 2024-08-23. Review status: criteria provided, single submitter. Criteria: ACMG Guidelines, 2015. Collection method: clinical testing. Allele origin: germline. Inheritance: Autosomal dominant inheritance. Observed: 1 variant allele, 1 heterozygote.
Comment: This missense variant replaces proline with alanine at codon 1992 of the APC protein. Computational prediction suggests that this variant may not impact protein structure and function (internally defined REVEL score threshold <= 0.5, PMID: 27666373). To our knowledge, functional studies have not been reported for this variant. This variant has not been reported in individuals affected with APC-related disorders in the literature. This variant has been identified in 1/31400 chromosomes in the general population by the Genome Aggregation Database (gnomAD). The available evidence is insufficient to determine the role of this variant in disease conclusively. Therefore, this variant is classified as a Variant of Uncertain Significance.

This study involves interpretation of variants in research participants for the purpose of population health screening. Participant phenotype was not available at the time of variant classification. Additional details can be found in publication PMID: 35346344, PMCID: PMC8962531

Color Diagnostics, LLC DBA Color Health
Classification: Uncertain significance for Hereditary cancer-predisposing syndrome. Last evaluated: 2023-12-05. Review status: criteria provided, single submitter. Criteria: ACMG Guidelines, 2015. Collection method: clinical testing. Allele origin: germline.
Comment: This missense variant replaces proline with alanine at codon 1992 of the APC protein. Computational prediction suggests that this variant may not impact protein structure and function (internally defined REVEL score threshold <= 0.5, PMID: 27666373). To our knowledge, functional studies have not been reported for this variant. This variant has not been reported in individuals affected with APC-related disorders in the literature. This variant has been identified in 1/31400 chromosomes in the general population by the Genome Aggregation Database (gnomAD). The available evidence is insufficient to determine the role of this variant in disease conclusively. Therefore, this variant is classified as a Variant of Uncertain Significance.

NM_000038.6(APC):c.5974C>G (p.Pro1992Ala)

Gene: APC (APC regulator of Wnt signaling pathway; plus strand). Cytogenetic location: 5q22.2.
Variant type: single nucleotide variant.
Coding change: c.5974C>G on transcript NM_000038.6 (MANE Select); coding-DNA position 5974, C replaced by G.
Protein change: p.Pro1992Ala; replaces proline 1992 with alanine.
Molecular consequence: missense variant.
Genome position (GRCh38, 1-based): chr5:112,841,568, C>G. VCF-style: chr5-112841568-C-G. GRCh37 (hg19) VCF-style: chr5-112177265-C-G.
Other names: c.5974C>G, p.Pro1992Ala (NM_001127510.3, NM_001354895.2); c.5920C>G, p.Pro1974Ala (NM_001127511.3); c.6028C>G, p.Pro2010Ala (NM_001354896.2); c.6004C>G, p.Pro2002Ala (NM_001354897.2); c.5899C>G, p.Pro1967Ala (NM_001354898.2); c.5890C>G, p.Pro1964Ala (NM_001354899.2); c.5851C>G, p.Pro1951Ala (NM_001354900.2); c.5797C>G, p.Pro1933Ala (NM_001354901.2); and 5 more; short protein forms P1974A, P1992A, P1964A, P1967A, P2002A, P1709A, P1832A, P1866A.
Identifiers: ClinVar variation 470027 (VCV000470027.24), dbSNP rs749833343, ClinGen allele CA16034411.